The following is an entry in ClinVar:

ClinVar aggregate classification (germline): Uncertain significance (1 of 4 stars; one submission).

Submission:

CeGaT Center for Human Genetics Tuebingen
Classification: Uncertain significance. Last evaluated: 2024-09-01. Review status: criteria provided, single submitter. Criteria: CeGaT Center For Human Genetics Tuebingen Variant Classification Criteria Version 2. Collection method: clinical testing. Allele origin: germline. Affected: yes. Observed: 1 variant allele.
Comment: ZIC1: PM2:Supporting, PS2:Supporting, BP4, BP7

NM_003412.4(ZIC1):c.423C>A (p.Leu141=)

Gene: ZIC1 (Zic family zinc finger 1; plus strand). Cytogenetic location: 3q24.
Variant type: single nucleotide variant.
Coding change: c.423C>A on transcript NM_003412.4 (MANE Select); coding-DNA position 423, C replaced by A.
Protein change: p.Leu141=; no amino-acid change (leucine 141 retained).
Molecular consequence: synonymous variant.
Genome position (GRCh38, 1-based): chr3:147,410,535, C>A. VCF-style: chr3-147410535-C-A. GRCh37 (hg19) VCF-style: chr3-147128322-C-A.
Identifiers: ClinVar variation 3388355 (VCV003388355.14).